The following is an entry in ClinVar:

ClinVar aggregate classification (germline): Uncertain significance (1 of 4 stars; one submission).

Conditions:
Pheochromocytoma. Also called: MAX-Related Hereditary Paraganglioma-Pheochromocytoma Syndrome. Identifiers: Orphanet 29072, MedGen C0031511, MONDO:0008233, OMIM 171300, HP:0002666.

Allele frequency attached by ClinVar (database versions not stated): gnomAD exomes below 0.00001; gnomAD 0.00003 and 0.00004; TOPMed 0.00004.
gnomAD v4.1: 8 of 1,614,004 alleles (0.0005%); highest among the groups gnomAD compares: African/African-American, 0.008%; no homozygotes.

Submission:

St. Jude Molecular Pathology, St. Jude Children's Research Hospital
Classification: Uncertain significance for Pheochromocytoma. Last evaluated: 2021-11-17. Review status: criteria provided, single submitter. Criteria: St. Jude Assertion Criteria 2020. Collection method: clinical testing. Allele origin: germline.
Comment: The KIF1B c.2606C>A (p.Pro869Gln) missense change has a maximum subpopulation frequency of 0.0081% in gnomAD v2.1.1. This variant occurs in a gene where missense variants are more likely to be damaging based on methods described by Lek et al. (PP2; PMID: 27535533). Five of five in silico tools predict a benign effect of this variant on protein function (BP4), but to our knowledge these predictions have not been confirmed by functional assays. To our knowledge, this variant has not been reported in individuals with pheochromocytoma or neuroblastoma. In summary, this variant meets criteria to be classified as of uncertain significance based on the ACMG/AMP criteria: PP2, BP4.

NM_001365951.3(KIF1B):c.2115+6545C>A

Gene: KIF1B (kinesin family member 1B; plus strand). Cytogenetic location: 1p36.22.
Variant type: single nucleotide variant.
Coding change: c.2115+6545C>A on transcript NM_001365951.3 (MANE Select); 6545 bases into the intron after coding-DNA position 2115, C replaced by A.
Molecular consequence: intron variant. On other transcripts: missense variant (2).
Genome position (GRCh38, 1-based): chr1:10,303,791, C>A. VCF-style: chr1-10303791-C-A. GRCh37 (hg19) VCF-style: chr1-10363849-C-A.
Other names: c.2606C>A, p.Pro869Gln (NM_001365953.1, NM_183416.4); c.1977+6545C>A (NM_015074.3); c.2115+6545C>A (NM_001365952.1); short protein forms P869Q.
Identifiers: ClinVar variation 1327571 (VCV001327571.3), dbSNP rs1299989581, ClinGen allele CA338324237.
Genomic context (GRCh38, chr1:10,303,791, plus strand): 5'-ATAAAATGCTCAAAATGGAAAAAGTCTTGCCACTGATCGGATCTCAGGAACAGAAAAGCC[C>A]AGGAAGCCACAAAGCAAAGGAGCCTGTTGGTGCTGGTGTTAGTAGCACCTCTGAGAATAA-3'